The following is an entry in ClinVar:

NM_006017.3(PROM1):c.1901A>G (p.Tyr634Cys)

Gene: PROM1 (prominin 1; minus strand). Cytogenetic location: 4p15.32.
Variant type: single nucleotide variant.
Coding change: c.1901A>G on transcript NM_006017.3 (MANE Select); coding-DNA position 1901, A replaced by G.
Protein change: p.Tyr634Cys; replaces tyrosine 634 with cysteine.
Molecular consequence: missense variant.
Genome position (GRCh38, 1-based): chr4:15,992,258, T>C on the plus strand (A>G on the coding strand, the complement: PROM1 is on the minus strand). VCF-style: chr4-15992258-T-C. GRCh37 (hg19) VCF-style: chr4-15993881-T-C.
Other names: c.1874A>G, p.Tyr625Cys (NM_001145847.2, NM_001145848.2, NM_001145851.2 and 4 more transcripts); c.1901A>G, p.Tyr634Cys (NM_001145849.2, NM_001145850.2); short protein forms Y634C, Y625C.
Identifiers: ClinVar variation 1926229 (VCV001926229.6), dbSNP rs753515260, ClinGen allele CA2866611.

ClinVar aggregate classification (germline): Uncertain significance. Review status: criteria provided, multiple submitters, no conflicts (2 of 4 stars). 2 submissions from 2 submitters: Uncertain significance (2). Last evaluated 2022-08-28.

Allele frequency attached by ClinVar (database versions not stated): ExAC 0.00002; TOPMed 0.00002; gnomAD 0.00003; gnomAD exomes 0.00003.
gnomAD v4.1: 48 of 1,613,736 alleles (0.003%); highest among the groups gnomAD compares: Non-Finnish European, 0.0038%; no homozygotes.

Submissions (2):

Labcorp Genetics (formerly Invitae), Labcorp
Classification: Uncertain significance. Last evaluated: 2022-08-28. Review status: criteria provided, single submitter. Criteria: Invitae Variant Classification Sherloc (09022015). Collection method: clinical testing. Allele origin: germline.
Comment: Algorithms developed to predict the effect of missense changes on protein structure and function (SIFT, PolyPhen-2, Align-GVGD) all suggest that this variant is likely to be disruptive. In summary, the available evidence is currently insufficient to determine the role of this variant in disease. Therefore, it has been classified as a Variant of Uncertain Significance. This variant has not been reported in the literature in individuals affected with PROM1-related conditions. This variant is present in population databases (rs753515260, gnomAD 0.007%). This sequence change replaces tyrosine, which is neutral and polar, with cysteine, which is neutral and slightly polar, at codon 634 of the PROM1 protein (p.Tyr634Cys).

Blueprint Genetics
Classification: Uncertain significance. Last evaluated: 2019-11-07. Review status: criteria provided, single submitter. Criteria: ACMG Guidelines, 2015. Collection method: clinical testing. Allele origin: germline.